The following is an entry in ClinVar:

ClinVar aggregate classification (germline): Uncertain significance (1 of 4 stars; one submission).

Allele frequency attached by ClinVar (database versions not stated): gnomAD exomes below 0.00001; ExAC 0.00001; TOPMed 0.00001.
gnomAD v4.1: 1 of 1,613,436 alleles (0.000062%); highest among the groups gnomAD compares: Admixed American, 0.0017%; no homozygotes.

Submission:

Labcorp Genetics (formerly Invitae), Labcorp
Classification: Uncertain significance. Last evaluated: 2022-06-04. Review status: criteria provided, single submitter. Criteria: Invitae Variant Classification Sherloc (09022015). Collection method: clinical testing. Allele origin: germline.
Comment: In summary, the available evidence is currently insufficient to determine the role of this variant in disease. Therefore, it has been classified as a Variant of Uncertain Significance. Algorithms developed to predict the effect of missense changes on protein structure and function output the following: SIFT: "Tolerated"; PolyPhen-2: "Benign"; Align-GVGD: "Class C0". The valine amino acid residue is found in multiple mammalian species, which suggests that this missense change does not adversely affect protein function. This variant has not been reported in the literature in individuals affected with HMCN1-related conditions. This variant is present in population databases (rs748432210, gnomAD 0.003%). This sequence change replaces isoleucine, which is neutral and non-polar, with valine, which is neutral and non-polar, at codon 824 of the HMCN1 protein (p.Ile824Val).

NM_031935.3(HMCN1):c.2470A>G (p.Ile824Val)

Gene: HMCN1 (hemicentin 1; plus strand). Cytogenetic location: 1q31.1.
Variant type: single nucleotide variant.
Coding change: c.2470A>G on transcript NM_031935.3 (MANE Select); coding-DNA position 2470, A replaced by G.
Protein change: p.Ile824Val; replaces isoleucine 824 with valine.
Molecular consequence: missense variant.
Genome position (GRCh38, 1-based): chr1:185,977,885, A>G. VCF-style: chr1-185977885-A-G. GRCh37 (hg19) VCF-style: chr1-185947017-A-G.
Other names: short protein forms I824V.
Identifiers: ClinVar variation 1907450 (VCV001907450.5), dbSNP rs748432210, ClinGen allele CA1291410.